The following is an entry in ClinVar:

ClinVar aggregate classification (germline): Likely pathogenic (1 of 4 stars; one submission).

Conditions:
Mucopolysaccharidosis, MPS-III-B (MPS3B). Also called: MPS IIIB (Sanfilippo Syndrome Type B); MUCOPOLYSACCHARIDOSIS, TYPE IIIB; Mucopolysaccharidosis type IIIB (Sanfilippo B); N-ACETYL-ALPHA-D-GLUCOSAMINIDASE DEFICIENCY; NAGLU DEFICIENCY; SANFILIPPO SYNDROME B. Identifiers: Orphanet 79270, MedGen C0086648, MONDO:0009656, OMIM 252920.
Charcot-Marie-Tooth disease axonal type 2V. Also called: CHARCOT-MARIE-TOOTH NEUROPATHY, TYPE 2V; CHARCOT-MARIE-TOOTH DISEASE, AXONAL, AUTOSOMAL DOMINANT, TYPE 2V. Identifiers: Orphanet 447964, MedGen C5569050, MONDO:0014665, OMIM 616491.

Submission:

Labcorp Genetics (formerly Invitae), Labcorp
Classification: Likely pathogenic for Charcot-Marie-Tooth disease axonal type 2V; Mucopolysaccharidosis, MPS-III-B. Last evaluated: 2020-03-17. Review status: criteria provided, single submitter. Criteria: Invitae Variant Classification Sherloc (09022015). Collection method: clinical testing. Allele origin: germline.
Comment: Algorithms developed to predict the effect of sequence changes on RNA splicing suggest that this variant may disrupt the consensus splice site, but this prediction has not been confirmed by published transcriptional studies. This variant has not been reported in the literature in individuals with NAGLU-related conditions. This variant is not present in population databases (ExAC no frequency). This sequence change affects an acceptor splice site in intron 2 of the NAGLU gene. It is expected to disrupt RNA splicing and likely results in an absent or disrupted protein product. Donor and acceptor splice site variants typically lead to a loss of protein function (PMID: 16199547), and loss-of-function variants in NAGLU are known to be pathogenic (PMID: 9832037, 10094189, 16151907). In summary, the currently available evidence indicates that the variant is pathogenic, but additional data are needed to prove that conclusively. Therefore, this variant has been classified as Likely Pathogenic.

Literature cited by the submitters: PubMed 16199547; PubMed 9832037; PubMed 10094189; PubMed 16151907.

NM_000263.4(NAGLU):c.532-1G>C

Gene: NAGLU (N-acetyl-alpha-glucosaminidase; plus strand). Cytogenetic location: 17q21.2.
Variant type: single nucleotide variant.
Coding change: c.532-1G>C on transcript NM_000263.4 (MANE Select); the canonical splice acceptor site of the intron before coding-DNA position 532, G replaced by C.
Molecular consequence: splice acceptor variant.
Genome position (GRCh38, 1-based): chr17:42,538,338, G>C. VCF-style: chr17-42538338-G-C. GRCh37 (hg19) VCF-style: chr17-40690356-G-C.
Identifiers: ClinVar variation 1067702 (VCV001067702.7), dbSNP rs2143086378, ClinGen allele CA399598326.
Genomic context (GRCh38, chr17:42,538,338, plus strand): 5'-GAATGAATGAATGAATGAATGAAGATGAATATATTTCTATGTGTGGGCCCTTCTTCCTCA[G>C]GTGTACCTGGCCTTGGGCCTGACCCAGGCAGAGATCAATGAGTTCTTTACTGGTCCTGCC-3'